The following is an entry in ClinVar:

NM_017631.6(DDX60):c.831C>G (p.Arg277=)

Gene: DDX60 (DExD/H-box helicase 60; minus strand). Cytogenetic location: 4q32.3.
Variant type: single nucleotide variant.
Coding change: c.831C>G on transcript NM_017631.6 (MANE Select); coding-DNA position 831, C replaced by G.
Protein change: p.Arg277=; no amino-acid change (arginine 277 retained).
Molecular consequence: synonymous variant.
Genome position (GRCh38, 1-based): chr4:168,293,838, G>C on the plus strand (C>G on the coding strand, the complement: DDX60 is on the minus strand). VCF-style: chr4-168293838-G-C. GRCh37 (hg19) VCF-style: chr4-169214989-G-C.
Other names: c.831C>G, p.Arg277= (NM_001410861.1).
Identifiers: ClinVar variation 2655176 (VCV002655176.24), dbSNP rs2531222880, ClinGen allele CA442060316.
Genomic context (GRCh38, chr4:168,293,838, plus strand): 5'-AAACCACACCTGTTGGATCTCAGTTTCCTGACCAGAGGAGGGCTCTCTGTTTCCTAAAAA[G>C]CGATGGTACATTCTCAAAGATAATGAGCATGAAGTAACACAAAAGACACGCCGAATGTCA-3'
Protein context (NP_060101.3, residues 267-287): SCSLSLRMYH[Arg277=]FLGNREPSSG

ClinVar aggregate classification (germline): Likely benign (1 of 4 stars; one submission).

gnomAD v4.1: 2 of 1,613,900 alleles (0.00012%); highest among the groups gnomAD compares: Non-Finnish European, 0.00017%; no homozygotes.

Submission:

CeGaT Center for Human Genetics Tuebingen
Classification: Likely benign. Last evaluated: 2023-03-01. Review status: criteria provided, single submitter. Criteria: CeGaT Center For Human Genetics Tuebingen Variant Classification Criteria Version 2. Collection method: clinical testing. Allele origin: germline. Affected: yes. Observed: 1 variant allele.
Comment: DDX60: PM2:Supporting, BP4, BP7